The following is an entry in ClinVar:

ClinVar aggregate classification (germline): Uncertain significance (1 of 4 stars; one submission).

Submission:

Ambry Genetics
Classification: Uncertain significance. Last evaluated: 2021-09-24. Review status: criteria provided, single submitter. Criteria: Ambry Variant Classification Scheme 2023. Collection method: clinical testing. Allele origin: germline.
Comment: The p.D1572H variant (also known as c.4714G>C), located in coding exon 42 of the KIF1B gene, results from a G to C substitution at nucleotide position 4714. The aspartic acid at codon 1572 is replaced by histidine, an amino acid with similar properties. This amino acid position is highly conserved in available vertebrate species. In addition, this alteration is predicted to be tolerated by in silico analysis. Since supporting evidence is limited at this time, the clinical significance of this alteration remains unclear.

NM_001365951.3(KIF1B):c.4852G>C (p.Asp1618His)

Gene: KIF1B (kinesin family member 1B; plus strand). Cytogenetic location: 1p36.22.
Variant type: single nucleotide variant.
Coding change: c.4852G>C on transcript NM_001365951.3 (MANE Select); coding-DNA position 4852, G replaced by C.
Protein change: p.Asp1618His; replaces aspartic acid 1618 with histidine.
Molecular consequence: missense variant.
Genome position (GRCh38, 1-based): chr1:10,371,168, G>C. VCF-style: chr1-10371168-G-C. GRCh37 (hg19) VCF-style: chr1-10431226-G-C.
Other names: c.4852G>C, p.Asp1618His (NM_001365952.1); c.4714G>C, p.Asp1572His (NM_015074.3); short protein forms D1572H, D1618H.
Identifiers: ClinVar variation 1742607 (VCV001742607.2), dbSNP rs2521951781, ClinGen allele CA338327335.